The following is an entry in ClinVar:

NM_012154.5(AGO2):c.2252G>A (p.Cys751Tyr)

Gene: AGO2 (argonaute RISC catalytic component 2; minus strand). Cytogenetic location: 8q24.3.
Variant type: single nucleotide variant.
Coding change: c.2252G>A on transcript NM_012154.5 (MANE Select); coding-DNA position 2252, G replaced by A.
Protein change: p.Cys751Tyr; replaces cysteine 751 with tyrosine.
Molecular consequence: missense variant. On other transcripts: intron variant (1).
Genome position (GRCh38, 1-based): chr8:140,535,487, C>T on the plus strand (G>A on the coding strand, the complement: AGO2 is on the minus strand). VCF-style: chr8-140535487-C-T. GRCh37 (hg19) VCF-style: chr8-141545586-C-T.
Other names: c.2170-2872G>A (NM_001164623.3); c.2252G>A (NM_012154.3); short protein forms C751Y.
Identifiers: ClinVar variation 995794 (VCV000995794.36), dbSNP rs2072680461, ClinGen allele CA372332073.
Genomic context (GRCh38, chr8:140,535,487, plus strand): 5'-AGACGGCCAAGACTCTGTCCGAAGGGGACTCCCGGCCTTACCTGGATGCCAGCGTGACTA[C>T]ACAGGTAGAAGTCGAACTCGGTGGGGTGGGTGATTTTCGTGTCCACAGTCGTGCCTGCTG-3'
Protein context (NP_036286.2, residues 741-761): THPTEFDFYL[Cys751Tyr]SHAGIQGTSR

ClinVar aggregate classification (germline): Pathogenic/Likely pathogenic. Review status: criteria provided, multiple submitters, no conflicts (2 of 4 stars). 3 submissions from 3 submitters: Pathogenic (1); Likely pathogenic (1). 1 of the submissions does not count toward it. Last evaluated 2022-03-01.

Conditions:
Lessel-Kreienkamp syndrome. Identifiers: MedGen C5436892, MONDO:0030897, OMIM 619149.
Inborn genetic diseases. Identifiers: MedGen C0950123, MeSH D030342.

Submissions (3):

CeGaT Center for Human Genetics Tuebingen
Classification: Likely pathogenic. Last evaluated: 2022-03-01. Review status: criteria provided, single submitter. Criteria: CeGaT Center For Human Genetics Tuebingen Variant Classification Criteria Version 2. Collection method: clinical testing. Allele origin: germline. Affected: yes. Observed: 1 variant allele.

Ambry Genetics
Classification: Pathogenic for Inborn genetic diseases. Last evaluated: 2021-10-19. Review status: criteria provided, single submitter. Criteria: Ambry Variant Classification Scheme 2023. Collection method: clinical testing. Allele origin: germline.
Comment: The c.2252G>A (p.C751Y) alteration is located in exon 17 (coding exon 17) of the AGO2 gene. This alteration results from a G to A substitution at nucleotide position 2252, causing the cysteine (C) at amino acid position 751 to be replaced by a tyrosine (Y). This variant was not reported in population-based cohorts in the Genome Aggregation Database (gnomAD). This alteration has been reported de novo in monozygotic twins and another unrelated patient with neurodevelopmental disorders, including varying degrees of intellectual disability, delayed motor development, impaired speech and receptive language development, and other variable features (Lessel, 2020). This amino acid position is highly conserved in available vertebrate species. This missense alteration is located in a region that has a low rate of benign missense variation (Lek, 2016; Firth, 2009). The p.C751 amino acid is located at the base of a loop in the PIWI domain that binds to the minor groove in the guide/target duplex and regulates the interaction between RNA and the MID domain. Functional studies showed that this alteration significantly reduces shRNA-mediated silencing of Shank3 but not &delta;-catenin, suggesting target mRNA specific effects of the alteration (Lessel, 2020). The in silico prediction for this alteration is inconclusive. Based on the available evidence, this alteration is classified as pathogenic.

OMIM
Classification: Pathogenic for LESSEL-KREIENKAMP SYNDROME. Last evaluated: 2021-01-20. Review status: no assertion criteria provided. Collection method: literature only. Allele origin: germline. Not counted in ClinVar's aggregate classification.

Literature cited by the submitters: PubMed 33199684 (cited by Ambry Genetics and OMIM).